The following is an entry in ClinVar:

NM_025184.4(EFHC2):c.1408A>G (p.Ile470Val)

Gene: EFHC2 (EF-hand domain containing 2; minus strand). Cytogenetic location: Xp11.3.
Variant type: single nucleotide variant.
Coding change: c.1408A>G on transcript NM_025184.4 (MANE Select); coding-DNA position 1408, A replaced by G.
Protein change: p.Ile470Val; replaces isoleucine 470 with valine.
Molecular consequence: missense variant.
Genome position (GRCh38, 1-based): chrX:44,235,320, T>C on the plus strand (A>G on the coding strand, the complement: EFHC2 is on the minus strand). VCF-style: chrX-44235320-T-C. GRCh37 (hg19) VCF-style: chrX-44094566-T-C.
Other names: short protein forms I470V.
Identifiers: ClinVar variation 2660364 (VCV002660364.24), dbSNP rs185793924, ClinGen allele CA10391615.

ClinVar aggregate classification (germline): Likely benign (1 of 4 stars; one submission).

Allele frequency attached by ClinVar (database versions not stated): gnomAD exomes 0.00011; gnomAD 0.00016; TOPMed 0.00032; 1000 Genomes Project 0.00053; ExAC 0.00093; 1000 Genomes Project 30x 0.00104.
gnomAD v4.1: 142 of 1,179,785 alleles (0.012%); highest among the groups gnomAD compares: East Asian, 0.35%; no homozygotes.

Submission:

CeGaT Center for Human Genetics Tuebingen
Classification: Likely benign. Last evaluated: 2022-12-01. Review status: criteria provided, single submitter. Criteria: CeGaT Center For Human Genetics Tuebingen Variant Classification Criteria Version 2. Collection method: clinical testing. Allele origin: germline. Affected: yes. Observed: 1 variant allele.
Comment: EFHC2: BP4, BS2